The following is an entry in ClinVar:

ClinVar aggregate classification (germline): Conflicting classifications of pathogenicity. Review status: criteria provided, conflicting classifications (1 of 4 stars). 5 submissions from 5 submitters: Pathogenic (1); Likely pathogenic (2); Uncertain significance (1). 1 of the submissions does not count toward it. Last evaluated 2025-07-29.

Conditions:
Primary ciliary dyskinesia. Also called: Ciliary dyskinesia. Identifiers: Orphanet 244, MedGen C0008780, MONDO:0016575, HP:0012265.
Primary ciliary dyskinesia 3. Identifiers: Orphanet 244, MedGen C1837618, MONDO:0012085, OMIM 608644.

Allele frequency attached by ClinVar (database versions not stated): ESP Exome Variant Server 0.00015; gnomAD 0.00003 and 0.00004; TOPMed 0.00003; gnomAD exomes 0.00002; ExAC 0.00003.
gnomAD v4.1: 31 of 1,613,122 alleles (0.0019%); highest among the groups gnomAD compares: African/African-American, 0.0027%; no homozygotes.

Submissions (5):

Labcorp Genetics (formerly Invitae), Labcorp
Classification: Pathogenic for Primary ciliary dyskinesia. Last evaluated: 2025-07-29. Review status: criteria provided, single submitter. Criteria: Invitae Variant Classification Sherloc (09022015). Collection method: clinical testing. Allele origin: germline.
Comment: This sequence change replaces glutamine, which is neutral and polar, with histidine, which is basic and polar, at codon 1372 of the DNAH5 protein (p.Gln1372His). This variant also falls at the last nucleotide of exon 26, which is part of the consensus splice site for this exon. This variant is present in population databases (rs139463637, gnomAD 0.004%). This missense change has been observed in individual(s) with primary ciliary dyskinesia (PMID: 22499950; internal data). ClinVar contains an entry for this variant (Variation ID: 663451). An algorithm developed to predict the effect of missense changes on protein structure and function (PolyPhen-2) suggests that this variant is likely to be tolerated. Variants that disrupt the consensus splice site are a relatively common cause of aberrant splicing (PMID: 17576681, 9536098). Algorithms developed to predict the effect of sequence changes on RNA splicing suggest that this variant may disrupt the consensus splice site. For these reasons, this variant has been classified as Pathogenic.

GeneDx
Classification: Uncertain significance. Last evaluated: 2025-06-11. Review status: criteria provided, single submitter. Criteria: GeneDx Variant Classification Process June 2021. Collection method: clinical testing. Allele origin: germline. Affected: yes.
Comment: Identified with a second variant in the DNAH5 gene in a patient with primary ciliary dyskinesia in published literature (PMID: 22499950); In silico analysis supports that this missense variant has a deleterious effect on protein structure/function; A different missense change at this residue (Q1372E) has been reported in the published literature (PMID: 33577779); This variant is associated with the following publications: (PMID: 22499950, 33577779)

Fulgent Genetics
Classification: Likely pathogenic for Primary ciliary dyskinesia 3. Last evaluated: 2024-05-07. Review status: criteria provided, single submitter. Criteria: ACMG Guidelines, 2015. Collection method: clinical testing. Allele origin: germline.

Ambry Genetics
Classification: Likely pathogenic for Primary ciliary dyskinesia. Last evaluated: 2023-04-21. Review status: criteria provided, single submitter. Criteria: Ambry Variant Classification Scheme 2023. Collection method: clinical testing. Allele origin: germline.
Comment: The c.4116G>C variant (also known as p.Q1372H), located in coding exon 26 of the DNAH5 gene, results from a G to C substitution at nucleotide position 4116. The glutamine at codon 1372 is replaced by histidine, an amino acid with highly similar properties. This change occurs in the last base pair of coding exon 26, which makes it likely to have some effect on normal mRNA splicing. This alteration was described in a patient with heterotaxy and primary ciliary dyskinesia, who reportedly had a second pathogenic alteration in the other DNAH5 allele (Nakhleh N et al. Circulation, 2012 May;125:2232-42). Both the nucleotide and amino acid positions are highly conserved in available vertebrate species. In silico splice site analysis predicts that this alteration may weaken the native splice donor site. In addition, the in silico prediction for this alteration is inconclusive. Based on the majority of available evidence to date, this variant is likely to be pathogenic.

Natera, Inc.
Classification: Uncertain significance for Primary ciliary dyskinesia. Last evaluated: 2020-10-21. Review status: no assertion criteria provided. Collection method: clinical testing. Allele origin: germline. Not counted in ClinVar's aggregate classification.

Literature cited by the submitters: PubMed 22499950 (cited by Labcorp Genetics (formerly Invitae), Labcorp and Ambry Genetics); PubMed 17576681 (cited by Labcorp Genetics (formerly Invitae), Labcorp); PubMed 9536098 (cited by Labcorp Genetics (formerly Invitae), Labcorp).

NM_001369.3(DNAH5):c.4116G>C (p.Gln1372His)

Genes: DNAH5 (dynein axonemal heavy chain 5; minus strand), DNAH5-AS1 (DNAH5 antisense RNA 1; plus strand). Cytogenetic location: 5p15.2.
Variant type: single nucleotide variant.
Coding change: c.4116G>C on transcript NM_001369.3 (MANE Select); coding-DNA position 4116, G replaced by C.
Protein change: p.Gln1372His; replaces glutamine 1372 with histidine.
Molecular consequence: missense variant.
Genome position (GRCh38, 1-based): chr5:13,866,220, C>G on the plus strand (G>C on the coding strand, the complement: DNAH5 is on the minus strand). VCF-style: chr5-13866220-C-G. GRCh37 (hg19) VCF-style: chr5-13866329-C-G.
Other names: short protein forms Q1372H.
Identifiers: ClinVar variation 663451 (VCV000663451.16), dbSNP rs139463637, ClinGen allele CA3204076.